The following is an entry in ClinVar:

ClinVar aggregate classification (germline): Uncertain significance (1 of 4 stars; one submission).

Conditions:
Hereditary cancer-predisposing syndrome. Also called: Tumor predisposition; Hereditary Cancer Syndrome; Hereditary neoplastic syndrome; Neoplastic Syndromes, Hereditary. Identifiers: Orphanet 140162, MedGen C0027672, MeSH D009386, MONDO:0015356.

Submission:

Ambry Genetics
Classification: Uncertain significance for Hereditary cancer-predisposing syndrome. Last evaluated: 2023-07-29. Review status: criteria provided, single submitter. Criteria: Ambry Variant Classification Scheme 2023. Collection method: clinical testing. Allele origin: germline.
Comment: The p.Y102H variant (also known as c.304T>C), located in coding exon 2 of the PDGFRA gene, results from a T to C substitution at nucleotide position 304. The tyrosine at codon 102 is replaced by histidine, an amino acid with similar properties. This amino acid position is conserved. In addition, the in silico prediction for this alteration is inconclusive. Since supporting evidence is limited at this time, the clinical significance of this alteration remains unclear.

NM_006206.6(PDGFRA):c.304T>C (p.Tyr102His)

Gene: PDGFRA (platelet derived growth factor receptor alpha; plus strand). Cytogenetic location: 4q12.
Variant type: single nucleotide variant.
Coding change: c.304T>C on transcript NM_006206.6 (MANE Select); coding-DNA position 304, T replaced by C.
Protein change: p.Tyr102His; replaces tyrosine 102 with histidine.
Molecular consequence: missense variant.
Genome position (GRCh38, 1-based): chr4:54,261,349, T>C. VCF-style: chr4-54261349-T-C. GRCh37 (hg19) VCF-style: chr4-55127516-T-C.
Other names: c.304T>C, p.Tyr102His (NM_001347827.2, NM_001347829.2); c.379T>C, p.Tyr127His (NM_001347828.2); c.343T>C, p.Tyr115His (NM_001347830.2); short protein forms Y102H, Y115H, Y127H.
Identifiers: ClinVar variation 2587720 (VCV002587720.2), dbSNP rs2475423388, ClinGen allele CA356888866.